The following is an entry in ClinVar:

NM_000318.3(PEX2):c.571A>C (p.Met191Leu)

Gene: PEX2 (peroxisomal biogenesis factor 2; minus strand). Cytogenetic location: 8q21.13.
Variant type: single nucleotide variant.
Coding change: c.571A>C on transcript NM_000318.3 (MANE Select); coding-DNA position 571, A replaced by C.
Protein change: p.Met191Leu; replaces methionine 191 with leucine.
Molecular consequence: missense variant.
Genome position (GRCh38, 1-based): chr8:76,983,608, T>G on the plus strand (A>C on the coding strand, the complement: PEX2 is on the minus strand). VCF-style: chr8-76983608-T-G. GRCh37 (hg19) VCF-style: chr8-77895844-T-G.
Other names: c.571A>C, p.Met191Leu (NM_001079867.2, NM_001172086.2, NM_001172087.2); short protein forms M191L.
Identifiers: ClinVar variation 1019602 (VCV001019602.7), dbSNP rs747946744, ClinGen allele CA371557053.

ClinVar aggregate classification (germline): Uncertain significance. Review status: criteria provided, single submitter (1 of 4 stars). 2 submissions from 2 submitters: Uncertain significance (1). 1 of the submissions does not count toward it. Last evaluated 2021-08-28.

Conditions:
Zellweger spectrum disorders (ZS). Also called: Zellweger syndrome; Zellweger Spectrum Disorder (ZSD); Zellweger Spectrum Disorder; Zellweger Spectrum. Identifiers: Orphanet 912, MedGen C0043459, MONDO:0019609.
Peroxisome biogenesis disorder 5A (Zellweger) (PBD5A). Identifiers: Orphanet 912, MedGen C3553940, MONDO:0013932, OMIM 614866.

Submissions (2):

Labcorp Genetics (formerly Invitae), Labcorp
Classification: Uncertain significance for Peroxisome biogenesis disorder 5A (Zellweger). Last evaluated: 2021-08-28. Review status: criteria provided, single submitter. Criteria: Invitae Variant Classification Sherloc (09022015). Collection method: clinical testing. Allele origin: germline.
Comment: This sequence change replaces methionine with leucine at codon 191 of the PEX2 protein (p.Met191Leu). The methionine residue is highly conserved and there is a small physicochemical difference between methionine and leucine. This variant is not present in population databases (ExAC no frequency). This variant has not been reported in the literature in individuals affected with PEX2-related conditions. Algorithms developed to predict the effect of missense changes on protein structure and function (SIFT, PolyPhen-2, Align-GVGD) all suggest that this variant is likely to be tolerated. In summary, the available evidence is currently insufficient to determine the role of this variant in disease. Therefore, it has been classified as a Variant of Uncertain Significance.

Natera, Inc.
Classification: Uncertain significance for Zellweger syndrome. Last evaluated: 2021-01-29. Review status: no assertion criteria provided. Collection method: clinical testing. Allele origin: germline. Not counted in ClinVar's aggregate classification.